The following is an entry in ClinVar:

NM_016373.4(WWOX):c.231-43C>T

Gene: WWOX (WW domain containing oxidoreductase; plus strand). Cytogenetic location: 16q23.1.
Variant type: single nucleotide variant.
Coding change: c.231-43C>T on transcript NM_016373.4 (MANE Select); 43 bases into the intron before coding-DNA position 231, C replaced by T.
Molecular consequence: intron variant.
Genome position (GRCh38, 1-based): chr16:78,114,933, C>T. VCF-style: chr16-78114933-C-T. GRCh37 (hg19) VCF-style: chr16-78148830-C-T.
Other names: c.-109-43C>T (NM_001291997.2); c.231-43C>T (NM_130791.5).
Identifiers: ClinVar variation 670330 (VCV000670330.4), dbSNP rs12934051, ClinGen allele CA8183109.

ClinVar aggregate classification (germline): Benign. Review status: criteria provided, multiple submitters, no conflicts (2 of 4 stars). 3 submissions from 3 submitters: Benign (3). Last evaluated 2024-07-15.

Allele frequency attached by ClinVar (database versions not stated): 1000 Genomes Project 30x 0.17161; 1000 Genomes Project 0.17372; TOPMed 0.20945; gnomAD 0.22349; ESP Exome Variant Server 0.23119; ExAC 0.25739; gnomAD exomes 0.26117 and 0.28662.
gnomAD v4.1: 451,446 of 1,611,736 alleles (28%); highest among the groups gnomAD compares: Non-Finnish European, 30%; 66,520 homozygotes.

Submissions (3):

Unidad de Genómica Garrahan, Hospital de Pediatría Garrahan
Classification: Benign. Last evaluated: 2024-07-15. Review status: criteria provided, single submitter. Criteria: ACMG Guidelines, 2015. Collection method: clinical testing. Allele origin: germline. Affected: no. Observed: 36 variant alleles.
Comment: This variant is classified as Benign based on local population frequency. This variant was detected in 39% of patients studied in a panel designed for Epileptic and Developmental Encephalopathy and Progressive Myoclonus Epilepsy. Number of patients: 36. Only high quality variants are reported.

GeneDx
Classification: Benign. Last evaluated: 2018-06-14. Review status: criteria provided, single submitter. Criteria: GeneDx Variant Classification (06012015). Collection method: clinical testing. Allele origin: germline. Affected: yes.
Comment: This variant is considered likely benign or benign based on one or more of the following criteria: it is a conservative change, it occurs at a poorly conserved position in the protein, it is predicted to be benign by multiple in silico algorithms, and/or has population frequency not consistent with disease.

Breakthrough Genomics
Classification: Benign. Review status: criteria provided, single submitter. Criteria: ACMG Guidelines, 2015. Collection method: not provided. Allele origin: germline. Inheritance: Autosomal recessive inheritance. Affected: yes.